The following is an entry in ClinVar:

ClinVar aggregate classification (germline): Uncertain significance (1 of 4 stars; one submission).

Conditions:
Hereditary cancer-predisposing syndrome. Also called: Neoplastic Syndromes, Hereditary; Tumor predisposition; Hereditary Cancer Syndrome; Hereditary neoplastic syndrome. Identifiers: Orphanet 140162, MedGen C0027672, MeSH D009386, MONDO:0015356.

gnomAD v4.1: 1 of 1,613,648 alleles (0.000062%); highest among the groups gnomAD compares: Non-Finnish European, 0.000085%; no homozygotes.

Submission:

Ambry Genetics
Classification: Uncertain significance for Hereditary cancer-predisposing syndrome. Last evaluated: 2025-12-09. Review status: criteria provided, single submitter. Criteria: Ambry Variant Classification Scheme 2023. Collection method: clinical testing. Allele origin: germline.
Comment: The p.P65T variant (also known as c.193C>A), located in coding exon 2 of the FANCC gene, results from a C to A substitution at nucleotide position 193. The proline at codon 65 is replaced by threonine, an amino acid with highly similar properties. This amino acid position is conserved. In addition, this alteration is predicted to be deleterious by in silico analysis. Based on the available evidence, the clinical significance of this variant remains unclear.

NM_000136.3(FANCC):c.193C>A (p.Pro65Thr)

Gene: FANCC (FA complementation group C; minus strand). Cytogenetic location: 9q22.32.
Variant type: single nucleotide variant.
Coding change: c.193C>A on transcript NM_000136.3 (MANE Select); coding-DNA position 193, C replaced by A.
Protein change: p.Pro65Thr; replaces proline 65 with threonine.
Molecular consequence: missense variant.
Genome position (GRCh38, 1-based): chr9:95,247,489, G>T on the plus strand (C>A on the coding strand, the complement: FANCC is on the minus strand). VCF-style: chr9-95247489-G-T. GRCh37 (hg19) VCF-style: chr9-98009771-G-T.
Other names: c.193C>A, p.Pro65Thr (NM_001243743.2, NM_001243744.2); short protein forms P65T.
Identifiers: ClinVar variation 4641245 (VCV004641245.1).